The following is an entry in ClinVar:

NM_000548.5(TSC2):c.1944C>T (p.Tyr648=)

Gene: TSC2 (TSC complex subunit 2; plus strand). Cytogenetic location: 16p13.3.
Variant type: single nucleotide variant.
Coding change: c.1944C>T on transcript NM_000548.5 (MANE Select); coding-DNA position 1944, C replaced by T.
Protein change: p.Tyr648=; no amino-acid change (tyrosine 648 retained).
Molecular consequence: synonymous variant.
Genome position (GRCh38, 1-based): chr16:2,071,614, C>T. VCF-style: chr16-2071614-C-T. GRCh37 (hg19) VCF-style: chr16-2121615-C-T.
Other names: c.1944C>T, p.Tyr648= (NM_001077183.3, NM_001114382.3, NM_001363528.2 and 3 more transcripts); c.1833C>T, p.Tyr611= (NM_001318827.2); c.1797C>T, p.Tyr599= (NM_001318829.2); c.1344C>T, p.Tyr448= (NM_001318831.2); c.1977C>T, p.Tyr659= (NM_001318832.2).
Identifiers: ClinVar variation 467906 (VCV000467906.17), dbSNP rs878925198, ClinGen allele CA276737411.

ClinVar aggregate classification (germline): Conflicting classifications of pathogenicity. Review status: criteria provided, conflicting classifications (1 of 4 stars). 5 submissions from 5 submitters: Uncertain significance (1); Likely benign (4). Last evaluated 2025-10-18.

Conditions:
Tuberous sclerosis syndrome (TSC). Also called: Tuberous Sclerosis Complex; Tuberous sclerosis. Identifiers: Orphanet 805, MedGen C0041341, MONDO:0001734.
Tuberous sclerosis 2 (TSC2). Identifiers: Orphanet 805, MedGen C1860707, MONDO:0013199, OMIM 613254.
Hereditary cancer-predisposing syndrome. Also called: Hereditary neoplastic syndrome; Neoplastic Syndromes, Hereditary; Tumor predisposition; Hereditary Cancer Syndrome. Identifiers: Orphanet 140162, MedGen C0027672, MeSH D009386, MONDO:0015356.

Allele frequency attached by ClinVar (database versions not stated): gnomAD exomes below 0.00001 and 0.00001; TOPMed below 0.00001; gnomAD 0.00001.
gnomAD v4.1: 13 of 1,613,272 alleles (0.00081%); highest among the groups gnomAD compares: Non-Finnish European, 0.001%; no homozygotes.

Submissions (5):

Labcorp Genetics (formerly Invitae), Labcorp
Classification: Likely benign for Tuberous sclerosis 2. Last evaluated: 2025-10-18. Review status: criteria provided, single submitter. Criteria: Invitae Variant Classification Sherloc (09022015). Collection method: clinical testing. Allele origin: germline.

All of Us Research Program, National Institutes of Health
Classification: Likely benign for Tuberous sclerosis syndrome. Last evaluated: 2023-12-13. Review status: criteria provided, single submitter. Criteria: ACMG Guidelines, 2015. Collection method: clinical testing. Allele origin: germline. Inheritance: Autosomal dominant inheritance. Observed: 6 variant alleles, 6 heterozygotes.
Comment: This study involves interpretation of variants in research participants for the purpose of population health screening. Participant phenotype was not available at the time of variant classification. Additional details can be found in publication PMID: 35346344, PMCID: PMC8962531

Color Diagnostics, LLC DBA Color Health
Classification: Likely benign for Tuberous sclerosis syndrome. Last evaluated: 2022-09-22. Review status: criteria provided, single submitter. Criteria: ACMG Guidelines, 2015. Collection method: clinical testing. Allele origin: germline.

Sema4
Classification: Uncertain significance for Hereditary cancer-predisposing syndrome. Last evaluated: 2021-11-05. Review status: criteria provided, single submitter. Criteria: Sema4 Curation Guidelines. Collection method: curation. Allele origin: germline.
Comment: The TSC2 c.1944C>T (p.Y648=) variant has not been reported in the literature to our knowledge. It was observed in 1/250026 chromosomes across all populations, in the large and broad cohorts of the Genome Aggregation Database (PMID: 32461654). The variant has been reported in ClinVar (Variation ID 467906). This variant is located in the third to last base pair of the exon, in silico tools suggest that the variant may impact the downstream canonical splice site, though these predictions have not been confirmed by functional studies. The evidence is insufficient to meet ACMG/AMP criteria for classifying the variant as benign or pathogenic. Thus, the clinical significance of this variant is currently uncertain.

Ambry Genetics
Classification: Likely benign for Hereditary cancer-predisposing syndrome. Last evaluated: 2020-03-16. Review status: criteria provided, single submitter. Criteria: Ambry Variant Classification Scheme 2023. Collection method: clinical testing. Allele origin: germline.